The following is an entry in ClinVar:

ClinVar aggregate classification (germline): Pathogenic/Likely pathogenic. Review status: criteria provided, multiple submitters, no conflicts (2 of 4 stars). 2 submissions from 2 submitters: Pathogenic (1); Likely pathogenic (1). Last evaluated 2024-06-01.

Conditions:
Hereditary angioedema type 1 (HAE1). Identifiers: Orphanet 100050, Orphanet 100051, Orphanet 91378, MedGen C2717906, MONDO:0015053, OMIM 106100.

Submissions (2):

DNA-diagnostics Laboratory, Research Centre For Medical Genetics
Classification: Likely pathogenic for Hereditary angioedema type 1. Last evaluated: 2024-06-01. Review status: criteria provided, single submitter. Criteria: ACMG Guidelines, 2015. Collection method: research. Allele origin: germline. Inheritance: Autosomal dominant inheritance. Affected: yes. Observed: 1 variant allele, 1 heterozygote.
Comment: The c.1157_1158del variant in SERPING1 meets ACMG/ClinGen SVI guidance criteria to be classified as pathogenic: PVS1_Str, PM2_Sup, PP4

Labcorp Genetics (formerly Invitae), Labcorp
Classification: Pathogenic. Last evaluated: 2023-06-03. Review status: criteria provided, single submitter. Criteria: Invitae Variant Classification Sherloc (09022015). Collection method: clinical testing. Allele origin: germline.
Comment: This sequence change creates a premature translational stop signal (p.Leu386Argfs*38) in the SERPING1 gene. While this is not anticipated to result in nonsense mediated decay, it is expected to disrupt the last 115 amino acid(s) of the SERPING1 protein. For these reasons, this variant has been classified as Pathogenic. This variant disrupts a region of the SERPING1 protein in which other variant(s) (p.Arg494*) have been determined to be pathogenic (PMID: 8755917, 30508583, 32065705). This suggests that this is a clinically significant region of the protein, and that variants that disrupt it are likely to be disease-causing. This premature translational stop signal has been observed in individual(s) with clinical features of SERPING1-related conditions (PMID: 34343365). This variant is not present in population databases (gnomAD no frequency).

Literature cited by the submitters: PubMed 8755917 (cited by Labcorp Genetics (formerly Invitae), Labcorp); PubMed 30508583 (cited by Labcorp Genetics (formerly Invitae), Labcorp); PubMed 32065705 (cited by Labcorp Genetics (formerly Invitae), Labcorp); PubMed 34343365 (cited by Labcorp Genetics (formerly Invitae), Labcorp).

NM_000062.3(SERPING1):c.1157_1158del (p.Leu386fs)

Gene: SERPING1 (serpin family G member 1; plus strand). Cytogenetic location: 11q12.1.
Variant type: Deletion.
Coding change: c.1157_1158del on transcript NM_000062.3 (MANE Select); coding-DNA positions 1157 to 1158, 2 bases deleted (TG; older notation c.1157_1158delTG).
Protein change: p.Leu386fs; shifts the reading frame from leucine 386.
Molecular consequence: frameshift variant.
Genome position (GRCh38, 1-based): chr11:57,611,844-57,611,845, TG deleted. VCF-style (leftmost placement, unchanged base first): chr11-57611843-CTG-C. GRCh37 (hg19) VCF-style: chr11-57379316-CTG-C.
Other names: c.1157_1158delTG (NM_000062.3); c.1157_1158del, p.Leu386fs (NM_001032295.2); short protein forms L386fs.
Identifiers: ClinVar variation 2761809 (VCV002761809.5), dbSNP rs2495452603, ClinGen allele CA2695214217.
Genomic context (GRCh38, chr11:57,611,843, plus strand): 5'-CGTCTTGAAGACATGGAACAGGCTCTCAGCCCTTCTGTTTTCAAGGCCATCATGGAGAAA[CTG>C]GAGATGTCCAAGTTCCAGCCCACTCTCCTAACACTACCCCGCATCAAAGTGACGACCAGC-3'